The following is an entry in ClinVar:

NM_001130987.2(DYSF):c.2406G>A (p.Glu802=)

Gene: DYSF (dysferlin; plus strand). Cytogenetic location: 2p13.2.
Variant type: single nucleotide variant.
Coding change: c.2406G>A on transcript NM_001130987.2 (MANE Select); coding-DNA position 2406, G replaced by A.
Protein change: p.Glu802=; no amino-acid change (glutamic acid 802 retained).
Molecular consequence: synonymous variant.
Genome position (GRCh38, 1-based): chr2:71,561,941, G>A. VCF-style: chr2-71561941-G-A. GRCh37 (hg19) VCF-style: chr2-71789071-G-A.
Other names: c.2355G>A, p.Glu785= (NM_001130455.2, NM_001130983.2); c.2310G>A, p.Glu770= (NM_001130976.2, NM_001130977.2); c.2352G>A, p.Glu784= (NM_001130978.2, NM_003494.4); c.2445G>A, p.Glu815= (NM_001130979.2); c.2403G>A, p.Glu801= (NM_001130980.2, NM_001130981.2); c.2448G>A, p.Glu816= (NM_001130982.2); c.2313G>A, p.Glu771= (NM_001130984.2, NM_001130986.2); c.2406G>A, p.Glu802= (NM_001130985.2).
Identifiers: ClinVar variation 3042859 (VCV003042859.2), dbSNP rs2545754105, ClinGen allele CA426701651.

ClinVar aggregate classification (germline): Likely benign (0 of 4 stars; one submission).

Conditions:
DYSF-related disorder. Also called: DYSF-related disorders; DYSF-related condition.

gnomAD v4.1: 2 of 1,613,588 alleles (0.00012%); highest among the groups gnomAD compares: South Asian, 0.0011%; no homozygotes.

Submission:

PreventionGenetics, part of Exact Sciences
Classification: Likely benign for DYSF-related condition. Last evaluated: 2019-07-02. Review status: no assertion criteria provided. Collection method: clinical testing. Allele origin: germline.
Comment: This variant is classified as likely benign based on ACMG/AMP sequence variant interpretation guidelines (Richards et al. 2015 PMID: 25741868, with internal and published modifications).